The following is an entry in ClinVar:

NM_001101.5(ACTB):c.687G>A (p.Thr229=)

Gene: ACTB (actin beta; minus strand). Cytogenetic location: 7p22.1.
Variant type: single nucleotide variant.
Coding change: c.687G>A on transcript NM_001101.5 (MANE Select); coding-DNA position 687, G replaced by A.
Protein change: p.Thr229=; no amino-acid change (threonine 229 retained).
Molecular consequence: synonymous variant.
Genome position (GRCh38, 1-based): chr7:5,528,396, C>T on the plus strand (G>A on the coding strand, the complement: ACTB is on the minus strand). VCF-style: chr7-5528396-C-T. GRCh37 (hg19) VCF-style: chr7-5568027-C-T.
Identifiers: ClinVar variation 696040 (VCV000696040.16), dbSNP rs138499594, ClinGen allele CA4146969.

ClinVar aggregate classification (germline): Benign/Likely benign. Review status: criteria provided, multiple submitters, no conflicts (2 of 4 stars). 7 submissions from 6 submitters: Benign (4); Likely benign (3). Last evaluated 2026-01-25.

Conditions:
Developmental malformations-deafness-dystonia syndrome (DDS1). Identifiers: Orphanet 79107, MedGen C5848323, MONDO:0011823, OMIM 607371.
Baraitser-Winter syndrome 1 (BRWS1). Also called: BARAITSER-WINTER SYNDROME 1, ATYPICAL; PACHYGYRIA, MENTAL RETARDATION, EPILEPSY, AND CHARACTERISTIC FACIES; MENTAL RETARDATION WITH EPILEPSY AND CHARACTERISTIC FACIES; Cerebrofrontofacial syndrome. Identifiers: Orphanet 2649, Orphanet 2995, MedGen C1855722, MONDO:0009470, OMIM 243310.
ACTB-related disorder. Also called: ACTB-related condition; ACTB-related disorders.

Allele frequency attached by ClinVar (database versions not stated): 1000 Genomes Project 30x 0.00062; gnomAD 0.00073 and 0.00083; ESP Exome Variant Server 0.00100; TOPMed 0.00105; 1000 Genomes Project 0.00060.
gnomAD v4.1: 304 of 1,614,074 alleles (0.019%); highest among the groups gnomAD compares: African/African-American, 0.27%; 1 homozygote.

Submissions (7):

Labcorp Genetics (formerly Invitae), Labcorp
Classification: Benign for Baraitser-Winter syndrome 1. Last evaluated: 2026-01-25. Review status: criteria provided, single submitter. Criteria: Invitae Variant Classification Sherloc (09022015). Collection method: clinical testing. Allele origin: germline.

PreventionGenetics, part of Exact Sciences
Classification: Likely benign for ACTB-related condition. Last evaluated: 2025-01-23. Review status: criteria provided, single submitter. Criteria: ACMG Guidelines, 2015. Collection method: clinical testing. Allele origin: germline.
Comment: This variant is classified as likely benign based on ACMG/AMP sequence variant interpretation guidelines (Richards et al. 2015 PMID: 25741868, with internal and published modifications).

Blueprint Genetics
Classification: Likely benign. Last evaluated: 2023-12-04. Review status: criteria provided, single submitter. Criteria: ACMG Guidelines, 2015. Collection method: clinical testing. Allele origin: germline.

Genome-Nilou Lab
Classification: Benign for Baraitser-Winter syndrome 1. Last evaluated: 2021-12-05. Review status: criteria provided, single submitter. Criteria: ACMG Guidelines, 2015. Collection method: clinical testing. Allele origin: germline. Affected: no.

Genome-Nilou Lab
Classification: Benign for Developmental malformations-deafness-dystonia syndrome. Last evaluated: 2021-12-05. Review status: criteria provided, single submitter. Criteria: ACMG Guidelines, 2015. Collection method: clinical testing. Allele origin: germline. Affected: no.

Fulgent Genetics
Classification: Likely benign for Baraitser-Winter syndrome 1; Developmental malformations-deafness-dystonia syndrome. Last evaluated: 2021-09-17. Review status: criteria provided, single submitter. Criteria: ACMG Guidelines, 2015. Collection method: clinical testing. Allele origin: unknown.

GeneDx
Classification: Benign. Last evaluated: 2020-01-05. Review status: criteria provided, single submitter. Criteria: GeneDx Variant Classification Process June 2021. Collection method: clinical testing. Allele origin: germline. Affected: yes.